The following is an entry in ClinVar:

ClinVar aggregate classification (germline): Uncertain significance (1 of 4 stars; one submission).

Conditions:
Hypogonadotropic hypogonadism 1 with or without anosmia (HH1). Also called: Kallmann syndrome, type 1, X-linked; DYSPLASIA OLFACTOGENITALIS OF DE MORSIER; HYPOGONADOTROPIC HYPOGONADISM 1 WITH ANOSMIA; HYPOGONADOTROPIC HYPOGONADISM AND ANOSMIA; KAL1-Related GnRH Deficiency (Kallmann Syndrome 1; Kallmann Syndrome, X-Linked); Hypogonadotropic hypogonadism 1 with or without anosmia (Kallmann syndrome 1). Identifiers: Orphanet 478, MedGen C1563719, MONDO:0010635, OMIM 308700. Disease mechanism: loss of function.

Submission:

Labcorp Genetics (formerly Invitae), Labcorp
Classification: Uncertain significance for Hypogonadotropic hypogonadism 1 with or without anosmia. Last evaluated: 2022-07-01. Review status: criteria provided, single submitter. Criteria: Invitae Variant Classification Sherloc (09022015). Collection method: clinical testing. Allele origin: germline.
Comment: In summary, the available evidence is currently insufficient to determine the role of this variant in disease. Therefore, it has been classified as a Variant of Uncertain Significance. Algorithms developed to predict the effect of missense changes on protein structure and function are either unavailable or do not agree on the potential impact of this missense change (SIFT: "Deleterious"; PolyPhen-2: "Probably Damaging"; Align-GVGD: "Class C0"). This variant has not been reported in the literature in individuals affected with ANOS1-related conditions. This variant is not present in population databases (gnomAD no frequency). This sequence change replaces glycine, which is neutral and non-polar, with arginine, which is basic and polar, at codon 567 of the ANOS1 protein (p.Gly567Arg).

NM_000216.4(ANOS1):c.1699G>C (p.Gly567Arg)

Gene: ANOS1 (anosmin 1; minus strand). Cytogenetic location: Xp22.31.
Variant type: single nucleotide variant.
Coding change: c.1699G>C on transcript NM_000216.4 (MANE Select); coding-DNA position 1699, G replaced by C.
Protein change: p.Gly567Arg; replaces glycine 567 with arginine.
Molecular consequence: missense variant.
Genome position (GRCh38, 1-based): chrX:8,535,734, C>G on the plus strand (G>C on the coding strand, the complement: ANOS1 is on the minus strand). VCF-style: chrX-8535734-C-G. GRCh37 (hg19) VCF-style: chrX-8503775-C-G.
Other names: short protein forms G567R.
Identifiers: ClinVar variation 2012907 (VCV002012907.4), dbSNP rs142455173, ClinGen allele CA411987246.
Genomic context (GRCh38, chrX:8,535,734, plus strand): 5'-CTTGAAACCCAGTCATGGGCTGATAGAGATTGGCCTTGGCCATCTTCCAAGAAAAGTGAC[C>G]GGTGATGTTCACATCCTGGACGATGAATGAAGCAGAAAGGTTCTCAGGCTTAGCTAGCAC-3'
Protein context (NP_000207.2, residues 557-577): SFIVQDVNIT[Gly567Arg]HFSWKMAKAN